The following is an entry in ClinVar:

ClinVar aggregate classification (germline): Uncertain significance (1 of 4 stars; one submission).

Conditions:
Arginine:glycine amidinotransferase deficiency (CCDS3). Also called: AGAT deficiency; L-Arginine:Glycine Amidinotransferase Deficiency; Cerebral creatine deficiency syndrome 3; Creatine deficiency syndrome due to AGAT deficiency; GATM deficiency; L-Arginine:Glycine Amidinotransferase (AGAT) Deficiency. Identifiers: Orphanet 35704, MedGen C2675179, MONDO:0012996, OMIM 612718.

Submission:

Labcorp Genetics (formerly Invitae), Labcorp
Classification: Uncertain significance for Arginine:glycine amidinotransferase deficiency. Last evaluated: 2024-11-22. Review status: criteria provided, single submitter. Criteria: Invitae Variant Classification Sherloc (09022015). Collection method: clinical testing. Allele origin: germline.
Comment: This sequence change affects codon 161 of the GATM mRNA. It is a 'silent' change, meaning that it does not change the encoded amino acid sequence of the GATM protein. It affects a nucleotide within the consensus splice site. This variant is not present in population databases (gnomAD no frequency). This variant has not been reported in the literature in individuals affected with GATM-related conditions. Algorithms developed to predict the effect of sequence changes on RNA splicing suggest that this variant is not likely to affect RNA splicing. In summary, the available evidence is currently insufficient to determine the role of this variant in disease. Therefore, it has been classified as a Variant of Uncertain Significance.

NM_001482.3(GATM):c.483G>C (p.Thr161=)

Gene: GATM (glycine amidinotransferase; minus strand). Cytogenetic location: 15q21.1.
Variant type: single nucleotide variant.
Coding change: c.483G>C on transcript NM_001482.3 (MANE Select); coding-DNA position 483, G replaced by C.
Protein change: p.Thr161=; no amino-acid change (threonine 161 retained).
Molecular consequence: synonymous variant.
Genome position (GRCh38, 1-based): chr15:45,369,327, C>G on the plus strand (G>C on the coding strand, the complement: GATM is on the minus strand). VCF-style: chr15-45369327-C-G. GRCh37 (hg19) VCF-style: chr15-45661525-C-G.
Other names: c.96G>C, p.Thr32= (NM_001321015.2).
Identifiers: ClinVar variation 3725840 (VCV003725840.2).